The following is an entry in ClinVar:

NM_013275.6(ANKRD11):c.6427C>T (p.Leu2143=)

Gene: ANKRD11 (ankyrin repeat domain 11; minus strand). Cytogenetic location: 16q24.3.
Variant type: single nucleotide variant.
Coding change: c.6427C>T on transcript NM_013275.6 (MANE Select); coding-DNA position 6427, C replaced by T.
Protein change: p.Leu2143=; no amino-acid change (leucine 2143 retained).
Molecular consequence: synonymous variant.
Genome position (GRCh38, 1-based): chr16:89,280,115, G>A on the plus strand (C>T on the coding strand, the complement: ANKRD11 is on the minus strand). VCF-style: chr16-89280115-G-A. GRCh37 (hg19) VCF-style: chr16-89346523-G-A.
Other names: c.6427C>T, p.Leu2143= (NM_001256182.2, NM_001256183.2).
Identifiers: ClinVar variation 2726343 (VCV002726343.9), dbSNP rs905579696, ClinGen allele CA286510243.
Genomic context (GRCh38, chr16:89,280,115, plus strand): 5'-GAGGAGCAAGACTTTCTTCCACGGGTTCCGCTTCACCATCTGCGGCATCTTTAGTCTGCA[G>A]GGGAAGCTCCGGCAGGGAGAAGGGCCCCAGGTCCAGGTCGTCCTCGGGGCCGGCGAAGGC-3'
Protein context (NP_037407.4, residues 2133-2153): LGPFSLPELP[Leu2143=]QTKDAADGEA

ClinVar aggregate classification (germline): Likely benign. Review status: criteria provided, multiple submitters, no conflicts (2 of 4 stars). 2 submissions from 2 submitters: Likely benign (2). Last evaluated 2025-10-01.

Conditions:
KBG syndrome (KBGS). Also called: ANKRD11-Related KBG Syndrome. Identifiers: Orphanet 2332, MedGen C0220687, MONDO:0007846, OMIM 148050.

Allele frequency attached by ClinVar (database versions not stated): gnomAD 0.00002.
gnomAD v4.1: 11 of 1,612,752 alleles (0.00068%); highest among the groups gnomAD compares: Middle Eastern, 0.017%; no homozygotes.

Submissions (2):

CeGaT Center for Human Genetics Tuebingen
Classification: Likely benign. Last evaluated: 2025-10-01. Review status: criteria provided, single submitter. Criteria: CeGaT Center For Human Genetics Tuebingen Variant Classification Criteria Version 2. Collection method: clinical testing. Allele origin: germline. Affected: yes. Observed: 1 variant allele.
Comment: ANKRD11: BP4, BP7

Labcorp Genetics (formerly Invitae), Labcorp
Classification: Likely benign for KBG syndrome. Last evaluated: 2025-05-22. Review status: criteria provided, single submitter. Criteria: Invitae Variant Classification Sherloc (09022015). Collection method: clinical testing. Allele origin: germline.